The following is an entry in ClinVar:

ClinVar aggregate classification (germline): Uncertain significance (1 of 4 stars; one submission).

Conditions:
DICER1-related tumor predisposition. Also called: DICER1 syndrome; DICER1-related pleuropulmonary blastoma cancer predisposition syndrome. Identifiers: Orphanet 284343, MedGen C3839822, MONDO:0100216.

Submission:

Labcorp Genetics (formerly Invitae), Labcorp
Classification: Uncertain significance for DICER1-related tumor predisposition. Last evaluated: 2021-03-15. Review status: criteria provided, single submitter. Criteria: Invitae Variant Classification Sherloc (09022015). Collection method: clinical testing. Allele origin: germline.
Comment: In summary, the available evidence is currently insufficient to determine the role of this variant in disease. Therefore, it has been classified as a Variant of Uncertain Significance. Nucleotide substitutions within the consensus splice site are a relatively common cause of aberrant splicing (PMID: 17576681, 9536098). Algorithms developed to predict the effect of sequence changes on RNA splicing suggest that this variant is not likely to affect RNA splicing, but this prediction has not been confirmed by published transcriptional studies. This variant has not been reported in the literature in individuals with DICER1-related conditions. This variant is not present in population databases (ExAC no frequency). This sequence change falls in intron 8 of the DICER1 gene. It does not directly change the encoded amino acid sequence of the DICER1 protein. It affects a nucleotide within the consensus splice site of the intron.

Literature cited by the submitters: PubMed 17576681; PubMed 9536098.

NM_177438.3(DICER1):c.1376+5A>T

Gene: DICER1 (dicer 1, ribonuclease III; minus strand). Cytogenetic location: 14q32.13.
Variant type: single nucleotide variant.
Coding change: c.1376+5A>T on transcript NM_177438.3 (MANE Select); 5 bases into the intron after coding-DNA position 1376, A replaced by T.
Molecular consequence: intron variant.
Genome position (GRCh38, 1-based): chr14:95,124,191, T>A on the plus strand (A>T on the coding strand, the complement: DICER1 is on the minus strand). VCF-style: chr14-95124191-T-A. GRCh37 (hg19) VCF-style: chr14-95590528-T-A.
Other names: c.1376+5A>T (NM_001291628.2, NM_030621.4, NM_001271282.3 and 1 more transcripts).
Identifiers: ClinVar variation 1510219 (VCV001510219.7), dbSNP rs2140200484, ClinGen allele CA2573150329.